The following is an entry in ClinVar:

NM_006947.4(SRP72):c.105T>G (p.Asn35Lys)

Gene: SRP72 (signal recognition particle 72; plus strand). Cytogenetic location: 4q12.
Variant type: single nucleotide variant.
Coding change: c.105T>G on transcript NM_006947.4 (MANE Select); coding-DNA position 105, T replaced by G.
Protein change: p.Asn35Lys; replaces asparagine 35 with lysine.
Molecular consequence: missense variant. On other transcripts: non-coding transcript variant (1).
Genome position (GRCh38, 1-based): chr4:56,467,740, T>G. VCF-style: chr4-56467740-T-G. GRCh37 (hg19) VCF-style: chr4-57333906-T-G.
Other names: c.105T>G, p.Asn35Lys (NM_001267722.2); short protein forms N35K.
Identifiers: ClinVar variation 4865158 (VCV004865158.1).
Genomic context (GRCh38, chr4:56,467,740, plus strand): 5'-GAGTGAAGTGAACCGGTATGGCCAGAACGGCGACTTCACGCGCGCTCTCAAGACCGTCAA[T>G]AAGAGTAAGTGTCGGGGTGGGCACTGGGGCGGGCCCAGGCCGGCTGGAGGATGCGGCCTG-3'
Protein context (NP_008878.3, residues 25-45): GDFTRALKTV[Asn35Lys]KILQINKDDV

ClinVar aggregate classification (germline): Uncertain significance (1 of 4 stars; one submission).

Submission:

Ambry Genetics
Classification: Uncertain significance. Last evaluated: 2026-06-10. Review status: criteria provided, single submitter. Criteria: Ambry Variant Classification Scheme 2023. Collection method: clinical testing. Allele origin: germline.
Comment: The p.N35K variant (also known as c.105T>G), located in coding exon 1 of the SRP72 gene, results from a T to G substitution at nucleotide position 105. The asparagine at codon 35 is replaced by lysine, an amino acid with similar properties. This amino acid position is conserved. In addition, this alteration is predicted to be tolerated by in silico analysis. Based on the available evidence, the clinical significance of this variant remains unclear.